The following is an entry in ClinVar:

NM_004006.3(DMD):c.2938G>A (p.Gly980Arg)

Gene: DMD (dystrophin; minus strand). Cytogenetic location: Xp21.1.
Variant type: single nucleotide variant.
Coding change: c.2938G>A on transcript NM_004006.3 (MANE Select); coding-DNA position 2938, G replaced by A.
Protein change: p.Gly980Arg; replaces glycine 980 with arginine.
Molecular consequence: missense variant.
Genome position (GRCh38, 1-based): chrX:32,472,175, C>T on the plus strand (G>A on the coding strand, the complement: DMD is on the minus strand). VCF-style: chrX-32472175-C-T. GRCh37 (hg19) VCF-style: chrX-32490292-C-T.
Other names: c.2914G>A, p.Gly972Arg (NM_000109.4); c.2926G>A, p.Gly976Arg (NM_004009.3); c.2569G>A, p.Gly857Arg (NM_004010.3); short protein forms G980R, G857R, G976R, G972R.
Identifiers: ClinVar variation 583044 (VCV000583044.7), dbSNP rs374102077, ClinGen allele CA328006970.

ClinVar aggregate classification (germline): Uncertain significance. Review status: criteria provided, single submitter (1 of 4 stars). 2 submissions from 2 submitters: Uncertain significance (1). 1 of the submissions does not count toward it. Last evaluated 2021-08-20.

Conditions:
Cardiomyopathy (CMYO). Also called: Cardiomyopathies. Identifiers: Orphanet 167848, MedGen C0878544, MONDO:0004994, HP:0001638. Inheritance: Various modes of inheritance.
Duchenne muscular dystrophy (DMD). Also called: MUSCULAR DYSTROPHY, PSEUDOHYPERTROPHIC PROGRESSIVE, DUCHENNE TYPE; Duchenne Muscular Dystrophy (DMD). Identifiers: Orphanet 98896, MedGen C0013264, MONDO:0010679, OMIM 310200.
Becker muscular dystrophy (BMD). Also called: MUSCULAR DYSTROPHY, PSEUDOHYPERTROPHIC PROGRESSIVE, BECKER TYPE; Becker Muscular Dystrophy (BMD). Identifiers: Orphanet 98895, MedGen C0917713, MONDO:0010311, OMIM 300376.
Dystrophin deficiency.

Allele frequency attached by ClinVar (database versions not stated): gnomAD 0.00001; gnomAD exomes 0.00001.
gnomAD v4.1: 5 of 1,209,275 alleles (0.00041%); highest among the groups gnomAD compares: Middle Eastern, 0.023%; no homozygotes.

Submissions (2):

Labcorp Genetics (formerly Invitae), Labcorp
Classification: Uncertain significance for Duchenne muscular dystrophy. Last evaluated: 2021-08-20. Review status: criteria provided, single submitter. Criteria: Invitae Variant Classification Sherloc (09022015). Collection method: clinical testing. Allele origin: germline.
Comment: This sequence change replaces glycine with arginine at codon 980 of the DMD protein (p.Gly980Arg). The glycine residue is highly conserved and there is a moderate physicochemical difference between glycine and arginine. This variant is not present in population databases (ExAC no frequency). This variant has not been reported in the literature in individuals affected with DMD-related conditions. Algorithms developed to predict the effect of missense changes on protein structure and function output the following: SIFT: "Deleterious"; PolyPhen-2: "Benign"; Align-GVGD: "Class C15". The arginine amino acid residue is found in multiple mammalian species, which suggests that this missense change does not adversely affect protein function. In summary, the available evidence is currently insufficient to determine the role of this variant in disease. Therefore, it has been classified as a Variant of Uncertain Significance.

Natera, Inc.
Classification: Uncertain significance for Becker muscular dystrophy; Cardiomyopathy; Duchenne muscular dystrophy; Dystrophin deficiency. Last evaluated: 2020-01-08. Review status: no assertion criteria provided. Collection method: clinical testing. Allele origin: germline. Not counted in ClinVar's aggregate classification.